The following is an entry in ClinVar:

NM_003722.5(TP63):c.754G>A (p.Glu252Lys)

Gene: TP63 (tumor protein p63; plus strand). Cytogenetic location: 3q28.
Variant type: single nucleotide variant.
Coding change: c.754G>A on transcript NM_003722.5 (MANE Select); coding-DNA position 754, G replaced by A.
Protein change: p.Glu252Lys; replaces glutamic acid 252 with lysine.
Molecular consequence: missense variant.
Genome position (GRCh38, 1-based): chr3:189,864,406, G>A. VCF-style: chr3-189864406-G-A. GRCh37 (hg19) VCF-style: chr3-189582195-G-A.
Other names: c.754G>A, p.Glu252Lys (NM_001114978.2, NM_001114979.2, NM_001329144.2 and 1 more transcripts); c.472G>A, p.Glu158Lys (NM_001114980.2, NM_001114981.2, NM_001114982.2 and 2 more transcripts); c.217G>A, p.Glu73Lys (NM_001329146.2, NM_001329150.2); c.748G>A, p.Glu250Lys (NM_001329964.2); short protein forms E158K, E250K, E252K, E73K.
Identifiers: ClinVar variation 5016766 (VCV005016766.1).
Genomic context (GRCh38, chr3:189,864,406, plus strand): 5'-AAAAAAGCTGAGCACGTCACGGAGGTGGTGAAGCGGTGCCCCAACCATGAGCTGAGCCGT[G>A]AATTCAACGAGGGTAAGCAGAATTTGAATCTCTAACTGTTCAACCTCCTTGAAGGTCAAG-3'
Protein context (NP_003713.3, residues 242-262): KRCPNHELSR[Glu252Lys]FNEGQIAPPS

ClinVar aggregate classification (germline): Likely pathogenic (1 of 4 stars; one submission).

Submission:

GeneDx
Classification: Likely pathogenic. Last evaluated: 2026-04-09. Review status: criteria provided, single submitter. Criteria: GeneDx Variant Classification Process June 2021. Collection method: clinical testing. Allele origin: germline.
Comment: Not observed at significant frequency in large population cohorts (gnomAD); In silico analysis supports that this missense variant has a deleterious effect on protein structure/function; Also known as p.(E213K); Has not been previously published as pathogenic or benign to our knowledge; This variant is associated with the following publications: (PMID: 17224651, 21652629)